The following is an entry in ClinVar:

ClinVar aggregate classification (germline): Conflicting classifications of pathogenicity. Review status: criteria provided, conflicting classifications (1 of 4 stars). 3 submissions from 3 submitters: Likely pathogenic (1); Uncertain significance (1). 1 of the submissions does not count toward it. Last evaluated 2026-05-12.

Conditions:
Cardiovascular phenotype. Identifiers: MedGen CN230736.
Cardiomyopathy, familial hypertrophic, 31. Identifiers: MedGen C6012754, MONDO:0979573, OMIM 621270.
Hypertrophic cardiomyopathy. Also called: HYPERTROPHIC MYOCARDIOPATHY. Identifiers: Orphanet 217569, MedGen C0007194, MeSH D002312, MONDO:0005045, HP:0001639.

gnomAD v4.1: 132 of 1,614,080 alleles (0.0082%); highest among the groups gnomAD compares: Non-Finnish European, 0.011%; 1 homozygote.

Submissions (3):

Women's Health and Genetics/Laboratory Corporation of America, LabCorp
Classification: Likely pathogenic for Hypertrophic cardiomyopathy. Last evaluated: 2026-05-12. Review status: criteria provided, single submitter. Criteria: LabCorp Variant Classification Summary - May 2015. Collection method: clinical testing. Allele origin: germline.
Comment: Variant summary: TRIM63 c.434G>A (p.Cys145Tyr) results in a non-conservative amino acid change in the encoded protein sequence. Algorithms developed to predict the effect of missense changes on protein structure and function all suggest that this variant is likely to be disruptive. The variant allele was found at a frequency of 2.4e-05 in 251436 control chromosomes. c.434G>A has been observed in individual(s) affected with Hypertrophic Cardiomyopathy, in one case was reported in the homozygous state in an individual with restrictive cardiomyopathy (Hagege_2024, Salazar-Mendiguchia_2020). These data indicate that the variant may be associated with disease. At least one publication reports experimental evidence evaluating an impact on protein function. The most pronounced variant effect results in impaired or completely abolished auto-monoubiquitylation (Chunthorng-Orn_2025). The following publications have been ascertained in the context of this evaluation (PMID: 39260623, 32451364, 40332812). ClinVar contains an entry for this variant (Variation ID: 3895048). Based on the evidence outlined above, the variant was classified as likely pathogenic.

Molecular Diagnostic Laboratory for Inherited Cardiovascular Disease, Montreal Heart Institute
Classification: Uncertain significance for Cardiovascular phenotype. Last evaluated: 2025-04-09. Review status: criteria provided, single submitter. Criteria: ACMG Guidelines, 2015. Collection method: clinical testing. Allele origin: germline. Affected: yes.

OMIM
Classification: Pathogenic for CARDIOMYOPATHY, FAMILIAL HYPERTROPHIC, 31. Last evaluated: 2025-07-18. Review status: no assertion criteria provided. Collection method: literature only. Allele origin: germline. Not counted in ClinVar's aggregate classification.

Literature cited by the submitters: PubMed 32451364 (cited by Women's Health and Genetics/Laboratory Corporation of America, LabCorp and OMIM); PubMed 40332812 (cited by Women's Health and Genetics/Laboratory Corporation of America, LabCorp); PubMed 39260623 (cited by Women's Health and Genetics/Laboratory Corporation of America, LabCorp).

NM_032588.4(TRIM63):c.434G>A (p.Cys145Tyr)

Gene: TRIM63 (tripartite motif containing 63; minus strand). Cytogenetic location: 1p36.11.
Variant type: single nucleotide variant.
Coding change: c.434G>A on transcript NM_032588.4 (MANE Select); coding-DNA position 434, G replaced by A.
Protein change: p.Cys145Tyr; replaces cysteine 145 with tyrosine.
Molecular consequence: missense variant.
Genome position (GRCh38, 1-based): chr1:26,061,233, C>T on the plus strand (G>A on the coding strand, the complement: TRIM63 is on the minus strand). VCF-style: chr1-26061233-C-T. GRCh37 (hg19) VCF-style: chr1-26387724-C-T.
Other names: short protein forms C145Y.
Identifiers: ClinVar variation 3895048 (VCV003895048.3), dbSNP rs202072815.